The following is an entry in ClinVar:

ClinVar aggregate classification (germline): Uncertain significance (1 of 4 stars; one submission).

Submission:

Labcorp Genetics (formerly Invitae), Labcorp
Classification: Uncertain significance. Last evaluated: 2025-01-27. Review status: criteria provided, single submitter. Criteria: Invitae Variant Classification Sherloc (09022015). Collection method: clinical testing. Allele origin: germline.
Comment: This variant, c.1409_1411del, results in the deletion of 1 amino acid(s) of the TONSL protein (p.Glu470del), but otherwise preserves the integrity of the reading frame. This variant is present in population databases (rs769416434, gnomAD 0.02%). This variant has not been reported in the literature in individuals affected with TONSL-related conditions. Experimental studies and prediction algorithms are not available or were not evaluated, and the functional significance of this variant is currently unknown. In summary, the available evidence is currently insufficient to determine the role of this variant in disease. Therefore, it has been classified as a Variant of Uncertain Significance.

NM_013432.5(TONSL):c.1400AGG[3] (p.Glu470del)

Gene: TONSL (tonsoku like, DNA repair protein; minus strand). Cytogenetic location: 8q24.3.
Variant type: Microsatellite.
Coding change: c.1400AGG[3] on transcript NM_013432.5 (MANE Select); three copies in a row of the 3-base unit AGG starting at c.1400; the reference has four copies in a row; one copy, 3 bases deleted.
Protein change: p.Glu470del; deletes glutamic acid 470.
Genome position (GRCh38, 1-based): chr8:144,440,090-144,440,092, CCT deleted on the plus strand (AGG on the coding strand, the reverse complement: TONSL is on the minus strand); deleting any 3 consecutive bases within chr8:144,440,090-144,440,102 gives the same sequence; the position shown is the placement nearest the transcript's 3' end. VCF-style (leftmost placement, unchanged base first): chr8-144440089-GCCT-G. GRCh37 (hg19) VCF-style: chr8-145665472-GCCT-G.
Other names: short protein forms E470del.
Identifiers: ClinVar variation 3635343 (VCV003635343.1).